The following is an entry in ClinVar:

ClinVar aggregate classification (germline): Uncertain significance (1 of 4 stars; one submission).

gnomAD v4.1: 2 of 1,599,658 alleles (0.00013%); highest among the groups gnomAD compares: Admixed American, 0.0035%; no homozygotes.

Submission:

Labcorp Genetics (formerly Invitae), Labcorp
Classification: Uncertain significance. Last evaluated: 2025-04-26. Review status: criteria provided, single submitter. Criteria: Invitae Variant Classification Sherloc (09022015). Collection method: clinical testing. Allele origin: germline.
Comment: This sequence change replaces valine, which is neutral and non-polar, with leucine, which is neutral and non-polar, at codon 152 of the NAF1 protein (p.Val152Leu). This variant is not present in population databases (gnomAD no frequency). This variant has not been reported in the literature in individuals affected with NAF1-related conditions. ClinVar contains an entry for this variant (Variation ID: 3608412). An algorithm developed to predict the effect of missense changes on protein structure and function outputs the following: PolyPhen-2: "Benign". The leucine amino acid residue is found in multiple mammalian species, which suggests that this missense change does not adversely affect protein function. In summary, the available evidence is currently insufficient to determine the role of this variant in disease. Therefore, it has been classified as a Variant of Uncertain Significance.

NM_138386.3(NAF1):c.454G>C (p.Val152Leu)

Gene: NAF1 (nuclear assembly factor 1 ribonucleoprotein; minus strand). Cytogenetic location: 4q32.2.
Variant type: single nucleotide variant.
Coding change: c.454G>C on transcript NM_138386.3 (MANE Select); coding-DNA position 454, G replaced by C.
Protein change: p.Val152Leu; replaces valine 152 with leucine.
Molecular consequence: missense variant.
Genome position (GRCh38, 1-based): chr4:163,164,303, C>G on the plus strand (G>C on the coding strand, the complement: NAF1 is on the minus strand). VCF-style: chr4-163164303-C-G. GRCh37 (hg19) VCF-style: chr4-164085455-C-G.
Other names: c.454G>C, p.Val152Leu (NM_001128931.2); short protein forms V152L.
Identifiers: ClinVar variation 3608412 (VCV003608412.2).
Genomic context (GRCh38, chr4:163,164,303, plus strand): 5'-TAAGAGGAAAATTCTTATTTTCCTTCTCAATTTGTAAATCATCATCTCCATCTGACAGCA[C>G]TGGAGGAAGTGATATACAAGAGGAAGAAGACGACGATGAGGAAGATGAAGAGGAAGACGA-3'
Protein context (NP_612395.2, residues 142-162): SSSSCISLPP[Val152Leu]LSDGDDDLQI